The following is an entry in ClinVar:

NM_018943.3(TUBA8):c.922_923insT (p.Arg308fs)

Gene: TUBA8 (tubulin alpha 8; plus strand). Cytogenetic location: 22q11.21.
Variant type: Insertion.
Coding change: c.922_923insT on transcript NM_018943.3 (MANE Select); coding-DNA positions 922 to 923, T inserted.
Protein change: p.Arg308fs; shifts the reading frame from arginine 308.
Molecular consequence: frameshift variant.
Genome position: GRCh38 VCF-style: chr22-18126900-A-AT. GRCh37 (hg19) VCF-style: chr22-18609667-A-AT.
Other names: c.724_725insT, p.Arg242fs (NM_001193414.2); short protein forms R242fs, R308fs.
Identifiers: ClinVar variation 4697828 (VCV004697828.1).
Genomic context (GRCh38, chr22:18,126,900, plus strand): 5'-GTGGCCGAGATAACCAGCTCCTGCTTTGAGCCCAACAGCCAGATGGTGAAGTGCGACCCG[A>AT]GACATGGCAAGTACATGGCCTGCTGCATGCTCTACCGGGGCGACGTGGTGCCCAAGGATG-3'

ClinVar aggregate classification (germline): Uncertain significance (1 of 4 stars; one submission).

Submission:

Labcorp Genetics (formerly Invitae), Labcorp
Classification: Uncertain significance. Last evaluated: 2025-09-03. Review status: criteria provided, single submitter. Criteria: Invitae Variant Classification Sherloc (09022015). Collection method: clinical testing. Allele origin: germline.
Comment: This sequence change creates a premature translational stop signal (p.Arg308Metfs*113) in the TUBA8 gene. While this is not anticipated to result in nonsense mediated decay, it is expected to disrupt the last 142 amino acid(s) of the TUBA8 protein. This variant is present in population databases (rs750375175, gnomAD 0.007%). This variant has not been reported in the literature in individuals affected with TUBA8-related conditions. In summary, the available evidence is currently insufficient to determine the role of this variant in disease. Therefore, it has been classified as a Variant of Uncertain Significance.